The following is an entry in ClinVar:

ClinVar aggregate classification (germline): Pathogenic (1 of 4 stars; one submission).

Conditions:
Warburg micro syndrome 1 (WARBM1). Identifiers: Orphanet 2510, MedGen C1838625, MONDO:0010822, OMIM 600118.

Submission:

Molecular Genetics Laboratory, Motol Hospital
Classification: Pathogenic for Warburg micro syndrome 1. Last evaluated: 2024-11-20. Review status: criteria provided, single submitter. Criteria: ACMG Guidelines, 2015. Collection method: clinical testing. Allele origin: maternal. Affected: yes. Observed: 1 variant allele.
Comment: The pathogenic/likely pathogenic variants affecting the RAB3GAP1 gene are well documented as a molecular cause of autosomal recessive "Warburg Micro syndrome-1" (OMIM:600118) (PMID:30730599;23420520;15216542;15696165). To conclude, the variant is classified as pathogenic (ACMG PVS1, PM2, PM3).

Literature cited by the submitters: PubMed 30730599; PubMed 23420520; PubMed 15216542; PubMed 15696165.

NM_012233.3(RAB3GAP1):c.1381del (p.Ala461fs)

Gene: RAB3GAP1 (RAB3 GTPase activating protein catalytic subunit 1; plus strand). Cytogenetic location: 2q21.3.
Variant type: Deletion.
Coding change: c.1381del on transcript NM_012233.3 (MANE Select); coding-DNA position 1381, one base deleted (G; older notation c.1381delG).
Protein change: p.Ala461fs; shifts the reading frame from alanine 461.
Molecular consequence: frameshift variant.
Genome position (GRCh38, 1-based): chr2:135,133,915, G deleted; the last of 2 consecutive G bases (chr2:135,133,914-135,133,915); deleting either gives the same sequence. VCF-style (leftmost placement, unchanged base first): chr2-135133913-TG-T. GRCh37 (hg19) VCF-style: chr2-135891483-TG-T.
Other names: c.1381del, p.Ala461fs (NM_001172435.2); c.1380del (NM_001172435.2); short protein forms A461fs.
Identifiers: ClinVar variation 3378403 (VCV003378403.2).